The following is an entry in ClinVar:

NM_016026.4(RDH11):c.688G>C (p.Val230Leu)

Genes: RDH11 (retinol dehydrogenase 11; minus strand), GPHN (gephyrin; plus strand). Cytogenetic location: 14q24.1.
Variant type: single nucleotide variant.
Coding change: c.688G>C on transcript NM_016026.4 (MANE Select); coding-DNA position 688, G replaced by C.
Protein change: p.Val230Leu; replaces valine 230 with leucine.
Molecular consequence: missense variant.
Genome position (GRCh38, 1-based): chr14:67,685,181, C>G on the plus strand (G>C on the coding strand, the complement: RDH11 is on the minus strand). VCF-style: chr14-67685181-C-G. GRCh37 (hg19) VCF-style: chr14-68151898-C-G.
Other names: c.478G>C, p.Val160Leu (NM_001252650.2); short protein forms V160L, V230L.
Identifiers: ClinVar variation 1466828 (VCV001466828.6), dbSNP rs2140064886, ClinGen allele CA390131387.

ClinVar aggregate classification (germline): Uncertain significance (1 of 4 stars; one submission).

Submission:

Labcorp Genetics (formerly Invitae), Labcorp
Classification: Uncertain significance. Last evaluated: 2022-02-23. Review status: criteria provided, single submitter. Criteria: Invitae Variant Classification Sherloc (09022015). Collection method: clinical testing. Allele origin: germline.
Comment: Algorithms developed to predict the effect of missense changes on protein structure and function (SIFT, PolyPhen-2, Align-GVGD) all suggest that this variant is likely to be tolerated. This variant has not been reported in the literature in individuals affected with RDH11-related conditions. This variant is not present in population databases (gnomAD no frequency). This sequence change replaces valine, which is neutral and non-polar, with leucine, which is neutral and non-polar, at codon 230 of the RDH11 protein (p.Val230Leu). In summary, the available evidence is currently insufficient to determine the role of this variant in disease. Therefore, it has been classified as a Variant of Uncertain Significance.